The following is an entry in ClinVar:

ClinVar aggregate classification (germline): Benign. Review status: criteria provided, multiple submitters, no conflicts (2 of 4 stars). 9 submissions from 3 submitters: Benign (9). Last evaluated 2021-05-11.

Conditions:
Marfan syndrome (MFS). Also called: Marfan syndrome type 1; Marfan's syndrome; MARFAN SYNDROME, TYPE I; Marfan syndrome, classic; FBN1-Related Marfan Syndrome. Identifiers: Orphanet 284963, Orphanet 558, MedGen C0024796, MONDO:0007947, OMIM 154700.
Acromicric dysplasia (ACMICD). Also called: Acromicric skeletal dysplasia. Identifiers: Orphanet 969, MedGen C0265287, MONDO:0007055, OMIM 102370.
Stiff skin syndrome (SSKS). Identifiers: Orphanet 2833, MedGen C1861456, MONDO:0008492, OMIM 184900.
Geleophysic dysplasia. Identifiers: Orphanet 2623, MedGen C3489726, MONDO:0000127.
Ectopia lentis 1, isolated, autosomal dominant (ECTOL1). Identifiers: Orphanet 1885, MedGen C3541518, MONDO:0007514, OMIM 129600.
Weill-Marchesani syndrome. Also called: WM Syndrome; Mesodermal dysmorphodystrophy congenital. Identifiers: Orphanet 3449, MedGen C0265313, MONDO:0018096.
Familial thoracic aortic aneurysm and aortic dissection (TAAD). Also called: Thoracic aortic aneurysms and dissections. Identifiers: Orphanet 91387, MedGen C4707243, MONDO:0019625.

Allele frequency attached by ClinVar (database versions not stated): TOPMed 0.03705; 1000 Genomes Project 30x 0.05403; 1000 Genomes Project 0.05631.

Submissions (9):

GeneDx
Classification: Benign. Last evaluated: 2021-05-11. Review status: criteria provided, single submitter. Criteria: GeneDx Variant Classification Process June 2021. Collection method: clinical testing. Allele origin: germline. Affected: yes.

Illumina Laboratory Services, Illumina
Classification: Benign for Acromicric dysplasia. Last evaluated: 2018-01-13. Review status: criteria provided, single submitter. Criteria: ICSL Variant Classification Criteria 13 December 2019. Collection method: clinical testing. Allele origin: germline.
Comment: This variant was observed in the ICSL laboratory as part of a predisposition screen in an ostensibly healthy population. It had not been previously curated by ICSL or reported in the Human Gene Mutation Database (HGMD: prior to June 1st, 2018), and was therefore a candidate for classification through an automated scoring system. Utilizing variant allele frequency, disease prevalence and penetrance estimates, and inheritance mode, an automated score was calculated to assess if this variant is too frequent to cause the disease. Based on the score and internal cut-off values, a variant classified as benign is not then subjected to further curation. The score for this variant resulted in a classification of benign for this disease.

Illumina Laboratory Services, Illumina
Classification: Benign for Marfan syndrome. Last evaluated: 2018-01-13. Review status: criteria provided, single submitter. Criteria: ICSL Variant Classification Criteria 13 December 2019. Collection method: clinical testing. Allele origin: germline.
Comment: the same text as in the submission from Illumina Laboratory Services, Illumina above.

Illumina Laboratory Services, Illumina
Classification: Benign for Weill-Marchesani syndrome. Last evaluated: 2018-01-13. Review status: criteria provided, single submitter. Criteria: ICSL Variant Classification Criteria 13 December 2019. Collection method: clinical testing. Allele origin: germline.
Comment: the same text as in the submission from Illumina Laboratory Services, Illumina above.

Illumina Laboratory Services, Illumina
Classification: Benign for Ectopia lentis 1, isolated, autosomal dominant. Last evaluated: 2018-01-13. Review status: criteria provided, single submitter. Criteria: ICSL Variant Classification Criteria 13 December 2019. Collection method: clinical testing. Allele origin: germline.
Comment: the same text as in the submission from Illumina Laboratory Services, Illumina above.

Illumina Laboratory Services, Illumina
Classification: Benign for Familial thoracic aortic aneurysm and aortic dissection. Last evaluated: 2018-01-13. Review status: criteria provided, single submitter. Criteria: ICSL Variant Classification Criteria 13 December 2019. Collection method: clinical testing. Allele origin: germline.
Comment: the same text as in the submission from Illumina Laboratory Services, Illumina above.

Illumina Laboratory Services, Illumina
Classification: Benign for Stiff skin syndrome. Last evaluated: 2018-01-13. Review status: criteria provided, single submitter. Criteria: ICSL Variant Classification Criteria 13 December 2019. Collection method: clinical testing. Allele origin: germline.
Comment: the same text as in the submission from Illumina Laboratory Services, Illumina above.

Illumina Laboratory Services, Illumina
Classification: Benign for Geleophysic dysplasia. Last evaluated: 2018-01-13. Review status: criteria provided, single submitter. Criteria: ICSL Variant Classification Criteria 13 December 2019. Collection method: clinical testing. Allele origin: germline.
Comment: the same text as in the submission from Illumina Laboratory Services, Illumina above.

Breakthrough Genomics
Classification: Benign. Review status: criteria provided, single submitter. Criteria: ACMG Guidelines, 2015. Collection method: not provided. Allele origin: germline. Inheritance: Autosomal dominant inheritance. Affected: yes.

NM_000138.5(FBN1):c.*1562G>T

Gene: FBN1 (fibrillin 1; minus strand). Cytogenetic location: 15q21.1.
Variant type: single nucleotide variant.
Coding change: c.*1562G>T on transcript NM_000138.5 (MANE Select); 1562 bases downstream of the stop codon, G replaced by T.
Molecular consequence: 3 prime UTR variant.
Genome position (GRCh38, 1-based): chr15:48,409,428, C>A on the plus strand (G>T on the coding strand, the complement: FBN1 is on the minus strand). VCF-style: chr15-48409428-C-A. GRCh37 (hg19) VCF-style: chr15-48701625-C-A.
Identifiers: ClinVar variation 316330 (VCV000316330.7), dbSNP rs78442438, ClinGen allele CA10642082.